The following is an entry in ClinVar:

NM_002234.4(KCNA5):c.213_245del (p.Asp72_Pro82del)

Gene: KCNA5 (potassium voltage-gated channel subfamily A member 5; plus strand). Cytogenetic location: 12p13.32.
Variant type: Deletion.
Coding change: c.213_245del on transcript NM_002234.4 (MANE Select); coding-DNA positions 213 to 245, 33 bases deleted.
Protein change: p.Asp72_Pro82del.
Molecular consequence: inframe deletion.
Genome position (GRCh38, 1-based): chr12:5,044,360-5,044,392, 33 bases deleted; deleting any 33 consecutive bases within chr12:5,044,332-5,044,392 gives the same sequence; the c. name uses the placement nearest the transcript's 3' end. GRCh37 (hg19): chr12:5,153,526-5,153,558.
Other names: c.213_245del (NM_002234.3); c.213_245del33 (NM_002234.4).
Identifiers: ClinVar variation 537316 (VCV000537316.27), dbSNP rs144879674, ClinGen allele CA6399558.
Genomic context (GRCh38, chr12:5,044,331, plus strand): 5'-CTCAGCGATGGGCCCAAGGAGCCGGCGCCAAAGGGGCGCGGCGCGCAGAGAGACGCGGAC[TCGGGAGTGCGGCCCTTGCCTCCGCTGCCGGACC>T]CGGGAGTGCGGCCCTTGCCTCCGCTGCCAGAGGAGCTGCCACGGCCTCGACGGCCGCCTC-3'

ClinVar aggregate classification (germline): Conflicting classifications of pathogenicity. Review status: criteria provided, conflicting classifications (1 of 4 stars). 6 submissions from 6 submitters: Uncertain significance (2); Likely benign (4). Last evaluated 2026-02-02.

Conditions:
Atrial fibrillation, familial, 7 (ATFB7). Identifiers: MedGen C2677106, MONDO:0012828, OMIM 612240.

Submissions (6):

Labcorp Genetics (formerly Invitae), Labcorp
Classification: Likely benign for Atrial fibrillation, familial, 7. Last evaluated: 2026-02-02. Review status: criteria provided, single submitter. Criteria: Invitae Variant Classification Sherloc (09022015). Collection method: clinical testing. Allele origin: germline.

Blueprint Genetics
Classification: Likely benign. Last evaluated: 2024-11-14. Review status: criteria provided, single submitter. Criteria: ACMG Guidelines, 2015. Collection method: clinical testing. Allele origin: germline.

Women's Health and Genetics/Laboratory Corporation of America, LabCorp
Classification: Likely benign. Last evaluated: 2024-08-27. Review status: criteria provided, single submitter. Criteria: LabCorp Variant Classification Summary - May 2015. Collection method: clinical testing. Allele origin: germline.

Revvity Omics, Revvity
Classification: Uncertain significance for Atrial fibrillation, familial, 7. Last evaluated: 2022-02-02. Review status: criteria provided, single submitter. Criteria: ACMG Guidelines, 2015. Collection method: clinical testing. Allele origin: germline.

GeneDx
Classification: Likely benign. Last evaluated: 2020-12-09. Review status: criteria provided, single submitter. Criteria: GeneDx Variant Classification Process June 2021. Collection method: clinical testing. Allele origin: germline. Affected: yes.
Comment: This variant is associated with the following publications: (PMID: 32577384, 20638934, 32397294)

ARUP Laboratories, Molecular Genetics and Genomics, ARUP Laboratories
Classification: Uncertain significance for Atrial fibrillation, familial, 7. Last evaluated: 2019-09-15. Review status: criteria provided, single submitter. Criteria: ARUP Molecular Germline Variant Investigation Process. Collection method: clinical testing. Allele origin: germline.
Comment: The KCNA5 c.213_245del, p.Asp72_Pro82del variant (rs144879674) is reported in the literature in two probands affected with atrial fibrillation as well as three affected relatives (Yang 2010). This variant results in an in-frame deletion of 11 residues that encompass a predicted Src SH2 domain binding motif and functional analysis demonstrated that this variant reduces channel activity; however, the clinical relevance of this observation is unknown. (Yang 2010). This variant is reported in ClinVar (Variation ID: 537316) and is found in the general population with an overall allele frequency of 0.079% (147/185,166 alleles) and a South Asian allele frequency of 0.24% in the Genome Aggregation Database. Due to limited information, the clinical significance of this variant is uncertain at this time.